The following is an entry in ClinVar:

ClinVar aggregate classification (germline): Uncertain significance (1 of 4 stars; one submission).

Conditions:
Myofibrillar myopathy 5. Also called: FILAMINOPATHY, AUTOSOMAL DOMINANT; Filaminopathy (type). Identifiers: Orphanet 171445, MedGen C1836050, MONDO:0012289, OMIM 609524.
Distal myopathy with posterior leg and anterior hand involvement. Also called: WILLIAMS DISTAL MYOPATHY. Identifiers: Orphanet 63273, MedGen C3279722, MONDO:0013550, OMIM 614065.
Hypertrophic cardiomyopathy 26. Also called: Cardiomyopathy, familial hypertrophic, 26. Identifiers: Orphanet 75249, MedGen C4310749, MONDO:0014883, OMIM 617047.

Submission:

Labcorp Genetics (formerly Invitae), Labcorp
Classification: Uncertain significance for Distal myopathy with posterior leg and anterior hand involvement; Myofibrillar myopathy 5; Hypertrophic cardiomyopathy 26. Last evaluated: 2021-11-01. Review status: criteria provided, single submitter. Criteria: Invitae Variant Classification Sherloc (09022015). Collection method: clinical testing. Allele origin: germline.
Comment: This sequence change replaces glutamic acid, which is acidic and polar, with alanine, which is neutral and non-polar, at codon 429 of the FLNC protein (p.Glu429Ala). In summary, the available evidence is currently insufficient to determine the role of this variant in disease. Therefore, it has been classified as a Variant of Uncertain Significance. Algorithms developed to predict the effect of missense changes on protein structure and function are either unavailable or do not agree on the potential impact of this missense change (SIFT: "Deleterious"; PolyPhen-2: "Probably Damaging"; Align-GVGD: "Class C0"). This variant has not been reported in the literature in individuals affected with FLNC-related conditions. This variant is not present in population databases (gnomAD no frequency).

NM_001458.5(FLNC):c.1286A>C (p.Glu429Ala)

Gene: FLNC (filamin C; plus strand). Cytogenetic location: 7q32.1.
Variant type: single nucleotide variant.
Coding change: c.1286A>C on transcript NM_001458.5 (MANE Select); coding-DNA position 1286, A replaced by C.
Protein change: p.Glu429Ala; replaces glutamic acid 429 with alanine.
Molecular consequence: missense variant.
Genome position (GRCh38, 1-based): chr7:128,838,678, A>C. VCF-style: chr7-128838678-A-C. GRCh37 (hg19) VCF-style: chr7-128478732-A-C.
Other names: c.1286A>C, p.Glu429Ala (NM_001127487.2); short protein forms E429A.
Identifiers: ClinVar variation 1486129 (VCV001486129.6), dbSNP rs1031308521, ClinGen allele CA369224574.